The following is an entry in ClinVar:

NM_030650.3(LNPK):c.452C>T (p.Pro151Leu)

Gene: LNPK (lunapark, ER junction formation factor; minus strand). Cytogenetic location: 2q31.1.
Variant type: single nucleotide variant.
Coding change: c.452C>T on transcript NM_030650.3 (MANE Select); coding-DNA position 452, C replaced by T.
Protein change: p.Pro151Leu; replaces proline 151 with leucine.
Molecular consequence: missense variant. On other transcripts: non-coding transcript variant (1).
Genome position (GRCh38, 1-based): chr2:175,964,413, G>A on the plus strand (C>T on the coding strand, the complement: LNPK is on the minus strand). VCF-style: chr2-175964413-G-A. GRCh37 (hg19) VCF-style: chr2-176829141-G-A.
Other names: c.650C>T, p.Pro217Leu (NM_001305008.1); c.452C>T, p.Pro151Leu (NM_001305009.1); c.458C>T, p.Pro153Leu (NM_001305010.1); c.83C>T, p.Pro28Leu (NM_001305011.2); short protein forms P151L, P153L, P217L, P28L.
Identifiers: ClinVar variation 2651554 (VCV002651554.24), dbSNP rs147972945, ClinGen allele CA1975993.

ClinVar aggregate classification (germline): Likely benign (1 of 4 stars; one submission).

Allele frequency attached by ClinVar (database versions not stated): gnomAD exomes 0.00003; TOPMed 0.00006; ExAC 0.00007; gnomAD 0.00014; ESP Exome Variant Server 0.00015; 1000 Genomes Project 30x 0.00016.
gnomAD v4.1: 61 of 1,613,026 alleles (0.0038%); highest among the groups gnomAD compares: African/African-American, 0.029%; 1 homozygote.

Submission:

CeGaT Center for Human Genetics Tuebingen
Classification: Likely benign. Last evaluated: 2022-04-01. Review status: criteria provided, single submitter. Criteria: CeGaT Center For Human Genetics Tuebingen Variant Classification Criteria Version 2. Collection method: clinical testing. Allele origin: germline. Affected: yes. Observed: 1 variant allele.
Comment: LNPK: BP4